The following is an entry in ClinVar:

ClinVar aggregate classification (germline): Likely pathogenic (1 of 4 stars; one submission).

Conditions:
Nemaline myopathy 2 (NEM2). Also called: Nemaline myopathy 2, autosomal recessive. Identifiers: MedGen C1850569, MONDO:0009725, OMIM 256030.

Allele frequency attached by ClinVar (database versions not stated): gnomAD exomes below 0.00001.
gnomAD v4.1: 1 of 1,578,390 alleles (0.000063%); highest among the groups gnomAD compares: Non-Finnish European, 0.000086%; no homozygotes.

Submission:

Labcorp Genetics (formerly Invitae), Labcorp
Classification: Likely pathogenic for Nemaline myopathy 2. Last evaluated: 2023-03-18. Review status: criteria provided, single submitter. Criteria: Invitae Variant Classification Sherloc (09022015). Collection method: clinical testing. Allele origin: germline.
Comment: This sequence change affects a donor splice site in intron 149 of the NEB gene. It is expected to disrupt RNA splicing. Variants that disrupt the donor or acceptor splice site typically lead to a loss of protein function (PMID: 16199547), and loss-of-function variants in NEB are known to be pathogenic (PMID: 25205138). In summary, the currently available evidence indicates that the variant is pathogenic, but additional data are needed to prove that conclusively. Therefore, this variant has been classified as Likely Pathogenic. Algorithms developed to predict the effect of sequence changes on RNA splicing suggest that this variant may disrupt the consensus splice site. ClinVar contains an entry for this variant (Variation ID: 2146055). This variant has not been reported in the literature in individuals affected with NEB-related conditions. This variant is not present in population databases (gnomAD no frequency).

Literature cited by the submitters: PubMed 16199547; PubMed 25205138.

NM_001164508.2(NEB):c.21945+1G>A

Genes: NEB (nebulin; minus strand), RIF1 (replication timing regulatory factor 1; plus strand). Cytogenetic location: 2q23.3.
Variant type: single nucleotide variant.
Coding change: c.21945+1G>A on transcript NM_001164508.2 (MANE Select); the canonical splice donor site of the intron after coding-DNA position 21945, G replaced by A.
Molecular consequence: splice donor variant.
Genome position (GRCh38, 1-based): chr2:151,526,917, C>T on the plus strand (G>A on the coding strand, the complement: NEB is on the minus strand). VCF-style: chr2-151526917-C-T. GRCh37 (hg19) VCF-style: chr2-152383431-C-T.
Other names: c.16842+1G>A (NM_004543.5); c.21945+1G>A (NM_001164507.2); c.22050+1G>A (NM_001271208.2).
Identifiers: ClinVar variation 2146055 (VCV002146055.2), dbSNP rs2153458564, ClinGen allele CA348768040.